The following is an entry in ClinVar:

ClinVar aggregate classification (germline): Pathogenic (1 of 4 stars; one submission).

Conditions:
Inborn genetic diseases. Identifiers: MedGen C0950123, MeSH D030342.

Allele frequency attached by ClinVar (database versions not stated): gnomAD exomes 0.00001.

Submission:

Ambry Genetics
Classification: Pathogenic for Inborn genetic diseases. Last evaluated: 2021-10-16. Review status: criteria provided, single submitter. Criteria: Ambry Variant Classification Scheme 2023. Collection method: clinical testing. Allele origin: germline.
Comment: The c.916delC (p.L306Sfs*9) alteration, located in exon 5 (coding exon 5) of the DONSON gene, consists of a deletion of one nucleotide at position 916, causing a translational frameshift with a predicted alternate stop codon after 9 amino acids. This alteration is expected to result in loss of function by premature protein truncation or nonsense-mediated mRNA decay. This variant was not reported in population-based cohorts in the Genome Aggregation Database (gnomAD). Based on the available evidence, this alteration is classified as pathogenic.

NM_017613.4(DONSON):c.916del (p.Leu306fs)

Gene: DONSON (DNA replication fork stabilization factor DONSON; minus strand). Cytogenetic location: 21q22.11.
Variant type: Deletion.
Coding change: c.916del on transcript NM_017613.4 (MANE Select); coding-DNA position 916, one base deleted (C; older notation c.916delC).
Protein change: p.Leu306fs; shifts the reading frame from leucine 306.
Molecular consequence: frameshift variant.
Genome position (GRCh38, 1-based): chr21:33,583,536, G deleted on the plus strand (C on the coding strand, the reverse complement: DONSON is on the minus strand). VCF-style (leftmost placement, unchanged base first): chr21-33583535-AG-A. GRCh37 (hg19) VCF-style: chr21-34955841-AG-A.
Other names: short protein forms L306fs.
Identifiers: ClinVar variation 2222598 (VCV002222598.2), dbSNP rs2517474921, ClinGen allele CA2580098601.